The following is an entry in ClinVar:

ClinVar aggregate classification (germline): Benign/Likely benign. Review status: criteria provided, multiple submitters, no conflicts (2 of 4 stars). 3 submissions from 3 submitters: Benign (1); Likely benign (2). Last evaluated 2025-12-08.

Conditions:
Hereditary hemorrhagic telangiectasia (HHT). Also called: Osler hemorrhagic telangiectasia syndrome; ORW DISEASE; Osler Weber Rendu syndrome; OSLER-RENDU-WEBER DISEASE. Identifiers: Orphanet 774, MedGen C0039445, MONDO:0019180. Disease mechanism: loss of function.

Allele frequency attached by ClinVar (database versions not stated): gnomAD exomes 0.00023; ExAC 0.00041; TOPMed 0.00112; gnomAD 0.00116 and 0.00104; ESP Exome Variant Server 0.00139; 1000 Genomes Project 0.00060; 1000 Genomes Project 30x 0.00078.
gnomAD v4.1: 325 of 1,580,186 alleles (0.021%); highest among the groups gnomAD compares: African/African-American, 0.38%; no homozygotes.

Submissions (3):

Labcorp Genetics (formerly Invitae), Labcorp
Classification: Benign for Hereditary hemorrhagic telangiectasia. Last evaluated: 2025-12-08. Review status: criteria provided, single submitter. Criteria: Invitae Variant Classification Sherloc (09022015). Collection method: clinical testing. Allele origin: germline.

Blueprint Genetics
Classification: Likely benign. Last evaluated: 2024-02-28. Review status: criteria provided, single submitter. Criteria: ACMG Guidelines, 2015. Collection method: clinical testing. Allele origin: germline.

GeneDx
Classification: Likely benign. Last evaluated: 2017-01-19. Review status: criteria provided, single submitter. Criteria: GeneDx Variant Classification (06012015). Collection method: clinical testing. Allele origin: germline. Affected: yes.
Comment: This variant is considered likely benign or benign based on one or more of the following criteria: it is a conservative change, it occurs at a poorly conserved position in the protein, it is predicted to be benign by multiple in silico algorithms, and/or has population frequency not consistent with disease.

NM_001114753.3(ENG):c.524-12G>A

Gene: ENG (endoglin; minus strand). Cytogenetic location: 9q34.11.
Variant type: single nucleotide variant.
Coding change: c.524-12G>A on transcript NM_001114753.3 (MANE Select); 12 bases into the intron before coding-DNA position 524, G replaced by A.
Molecular consequence: intron variant.
Genome position (GRCh38, 1-based): chr9:127,825,872, C>T on the plus strand (G>A on the coding strand, the complement: ENG is on the minus strand). VCF-style: chr9-127825872-C-T. GRCh37 (hg19) VCF-style: chr9-130588151-C-T.
Other names: c.524-12G>A (NM_000118.4, NM_001406715.1); c.-23-12G>A (NM_001278138.2).
Identifiers: ClinVar variation 506933 (VCV000506933.11), dbSNP rs142841129, ClinGen allele CA5253093.